The following is an entry in ClinVar:

ClinVar aggregate classification (germline): Pathogenic (1 of 4 stars; one submission).

Conditions:
ALG1-congenital disorder of glycosylation. Also called: CONGENITAL DISORDER OF GLYCOSYLATION, TYPE Ik; ALG1-CDG; CDG Ik. Identifiers: Orphanet 79327, MedGen C2931005, MONDO:0012052, OMIM 608540.

Submission:

Labcorp Genetics (formerly Invitae), Labcorp
Classification: Pathogenic for ALG1-congenital disorder of glycosylation. Last evaluated: 2023-07-29. Review status: criteria provided, single submitter. Criteria: Invitae Variant Classification Sherloc (09022015). Collection method: clinical testing. Allele origin: germline.
Comment: This sequence change creates a premature translational stop signal (p.Arg30Glyfs*44) in the ALG1 gene. It is expected to result in an absent or disrupted protein product. Loss-of-function variants in ALG1 are known to be pathogenic (PMID: 20679665, 23806237). For these reasons, this variant has been classified as Pathogenic. This variant has not been reported in the literature in individuals affected with ALG1-related conditions. This variant is not present in population databases (gnomAD no frequency).

Literature cited by the submitters: PubMed 20679665; PubMed 23806237.

NM_019109.5(ALG1):c.87_91del (p.Arg30fs)

Gene: ALG1 (ALG1 chitobiosyldiphosphodolichol beta-mannosyltransferase; plus strand). Cytogenetic location: 16p13.3.
Variant type: Deletion.
Coding change: c.87_91del on transcript NM_019109.5 (MANE Select); coding-DNA positions 87 to 91, 5 bases deleted (GCGGG; older notation c.87_91delGCGGG).
Protein change: p.Arg30fs; shifts the reading frame from arginine 30.
Molecular consequence: frameshift variant.
Genome position (GRCh38, 1-based): chr16:5,071,936-5,071,940, GCGGG deleted; deleting any 5 consecutive bases within chr16:5,071,933-5,071,940 gives the same sequence; the c. name uses the placement nearest the transcript's 3' end. VCF-style (leftmost placement, unchanged base first): chr16-5071932-GGGGGC-G. GRCh37 (hg19) VCF-style: chr16-5121933-GGGGGC-G.
Other names: short protein forms R30fs.
Identifiers: ClinVar variation 2748116 (VCV002748116.3), dbSNP rs2505845138, ClinGen allele CA2697549678.